The following is an entry in ClinVar:

NM_032977.4(CASP10):c.1562_1564delinsGAA (p.Ser521_Leu522delinsTer)

Gene: CASP10 (caspase 10; plus strand). Cytogenetic location: 2q33.1.
Variant type: Indel.
Coding change: c.1562_1564delinsGAA on transcript NM_032977.4 (MANE Select); coding-DNA positions 1562 to 1564, CAT replaced by GAA.
Protein change: p.Ser521_Leu522delinsTer.
Molecular consequence: nonsense. On other transcripts: 3 prime UTR variant (1), intron variant (2).
Genome position (GRCh38, 1-based): chr2:201,217,734-201,217,736, CAT replaced by GAA. VCF-style: chr2-201217734-CAT-GAA. GRCh37 (hg19) VCF-style: chr2-202082457-CAT-GAA.
Other names: c.1361_1363delinsGAA, p.Ser454_Leu455delinsTer (NM_001206524.2); c.1433_1435delinsGAA, p.Ser478_Leu479delinsTer (NM_001230.5); c.*648_*650delinsGAA (NM_032976.4); c.1415+8172_1415+8174delinsGAA (NM_032974.5); c.1286+8172_1286+8174delinsGAA (NM_001206542.2); short protein forms S521*.
Identifiers: ClinVar variation 5038422 (VCV005038422.1).
Genomic context (GRCh38, chr2:201,217,734, plus strand): 5'-CCCAGCCTGCTTTCACACTAAGGAAAAAACTAGTATTCCCTGTGCCCCTGGATGCACTTT[CAT>GAA]TATAGCAGAGAGTTTTTGTTGGTTCTTAGACCTCAAACGAATCATTGGCTATAACCTCCA-3'

ClinVar aggregate classification (germline): Uncertain significance (1 of 4 stars; one submission).

Conditions:
Autoimmune lymphoproliferative syndrome type 2A (ALPS2A). Also called: Autoimmune lymphoproliferative syndrome type 2; AUTOIMMUNE LYMPHOPROLIFERATIVE SYNDROME, TYPE IIA; CASP10-Related Autoimmune Lymphoproliferative Syndrome. Identifiers: Orphanet 3261, MedGen C1858968, MONDO:0011383, OMIM 603909.

Submission:

St. Jude Molecular Pathology, St. Jude Children's Research Hospital
Classification: Uncertain significance for Autoimmune lymphoproliferative syndrome type 2A. Last evaluated: 2026-10-01. Review status: criteria provided, single submitter. Criteria: St. Jude Assertion Criteria 2020. Collection method: clinical testing. Allele origin: germline.
Comment: The CASP10 c.1562_1564delinsGAA p.(Ser521Ter) change is a nonsense variant that is predicted to cause premature protein truncation. This variant is not predicted to result in nonsense mediated dec ay, and the truncated region removes less than 10% of the protein. This variant is absent in gnomAD v2.1.1. To our knowledge, this variant has not been reported in the literature in individuals with autoimmune lymphop roliferative syndrome. In summary, the evidence currently available is insufficient to determine the clinical significance of this variant. It has therefore been classified as of uncertain significance (VUS-Low).